The following is an entry in ClinVar:

NM_022369.4(STRA6):c.597+9T>G

Gene: STRA6 (signaling receptor and transporter of retinol STRA6; minus strand). Cytogenetic location: 15q24.1.
Variant type: single nucleotide variant.
Coding change: c.597+9T>G on transcript NM_022369.4 (MANE Select); 9 bases into the intron after coding-DNA position 597, T replaced by G.
Molecular consequence: intron variant. On other transcripts: 3 prime UTR variant (1).
Genome position (GRCh38, 1-based): chr15:74,195,293, A>C on the plus strand (T>G on the coding strand, the complement: STRA6 is on the minus strand). VCF-style: chr15-74195293-A-C. GRCh37 (hg19) VCF-style: chr15-74487634-A-C.
Other names: c.*309T>G (NM_001142620.2); c.708+9T>G (NM_001199040.2); c.570+9T>G (NM_001142619.2); c.597+9T>G (NM_001142617.2, NM_001142618.2); c.642+9T>G (NM_001199041.2); c.714+9T>G (NM_001199042.2).
Identifiers: ClinVar variation 317111 (VCV000317111.14), dbSNP rs28541560, ClinGen allele CA7654943.
Genomic context (GRCh38, chr15:74,195,293, plus strand): 5'-GAGGCACTGTGGTTTGAGTAGGTTGCTCTGTGCGCCCCTCTGCCCTAGGCCATTGTGATC[A>C]GCGGTTACCTTGGGCACCTGGGGACACTCTGCCCTCTGCCAGACCTGGACCCCAAGGTGG-3'

ClinVar aggregate classification (germline): Benign/Likely benign. Review status: criteria provided, multiple submitters, no conflicts (2 of 4 stars). 3 submissions from 3 submitters: Benign (2); Likely benign (1). Last evaluated 2025-12-23.

Conditions:
Microphthalmia, syndromic 9. Also called: ANOPHTHALMIA, CLINICAL, WITH MILD FACIAL DYSMORPHISM AND VARIABLE MALFORMATIONS OF THE LUNG, HEART, AND DIAPHRAGM; ANOPHTHALMIA/MICROPHTHALMIA AND PULMONARY HYPOPLASIA; Matthew-Wood syndrome; PULMONARY AGENESIS, MICROPHTHALMIA, AND DIAPHRAGMATIC DEFECT; SPEAR SYNDROME. Identifiers: Orphanet 2470, MedGen C1832661, MONDO:0011010, OMIM 601186.

Allele frequency attached by ClinVar (database versions not stated): gnomAD exomes 0.00134 and 0.00342; ExAC 0.00432; 1000 Genomes Project 30x 0.01124; 1000 Genomes Project 0.01198; gnomAD 0.01410 and 0.01509; TOPMed 0.01578; ESP Exome Variant Server 0.01609.
gnomAD v4.1: 4,178 of 1,611,664 alleles (0.26%); highest among the groups gnomAD compares: African/African-American, 5%; 108 homozygotes.

Submissions (3):

Labcorp Genetics (formerly Invitae), Labcorp
Classification: Benign for Microphthalmia, syndromic 9. Last evaluated: 2025-12-23. Review status: criteria provided, single submitter. Criteria: Invitae Variant Classification Sherloc (09022015). Collection method: clinical testing. Allele origin: germline.

GeneDx
Classification: Likely benign. Last evaluated: 2019-10-22. Review status: criteria provided, single submitter. Criteria: GeneDx Variant Classification Process June 2021. Collection method: clinical testing. Allele origin: germline. Affected: yes.
Comment: See Variant Classification Assertion Criteria.

Illumina Laboratory Services, Illumina
Classification: Benign for Microphthalmia, syndromic 9. Last evaluated: 2018-01-13. Review status: criteria provided, single submitter. Criteria: ICSL Variant Classification Criteria 13 December 2019. Collection method: clinical testing. Allele origin: germline.
Comment: This variant was observed in the ICSL laboratory as part of a predisposition screen in an ostensibly healthy population. It had not been previously curated by ICSL or reported in the Human Gene Mutation Database (HGMD: prior to June 1st, 2018), and was therefore a candidate for classification through an automated scoring system. Utilizing variant allele frequency, disease prevalence and penetrance estimates, and inheritance mode, an automated score was calculated to assess if this variant is too frequent to cause the disease. Based on the score and internal cut-off values, a variant classified as benign is not then subjected to further curation. The score for this variant resulted in a classification of benign for this disease.